The following is an entry in ClinVar:

ClinVar aggregate classification (germline): Uncertain significance (1 of 4 stars; one submission).

Conditions:
Congenital myotonia, autosomal recessive form. Also called: BECKER DISEASE; Becker Generalized Myotonia; myotonia congenita, autosomal recessive. Identifiers: Orphanet 614, MedGen C0751360, MONDO:0009715, OMIM 255700.
Congenital myotonia, autosomal dominant form (THD). Also called: THOMSEN DISEASE; Myotonia congenita autosomal dominant. Identifiers: Orphanet 614, MedGen C2936781, MONDO:0008055, OMIM 160800.

Allele frequency attached by ClinVar (database versions not stated): gnomAD exomes below 0.00001; ExAC 0.00001; gnomAD 0.00001.
gnomAD v4.1: 5 of 1,614,114 alleles (0.00031%); highest among the groups gnomAD compares: Admixed American, 0.0017%; no homozygotes.

Submission:

Labcorp Genetics (formerly Invitae), Labcorp
Classification: Uncertain significance for Congenital myotonia, autosomal recessive form; Congenital myotonia, autosomal dominant form. Last evaluated: 2022-07-09. Review status: criteria provided, single submitter. Criteria: Invitae Variant Classification Sherloc (09022015). Collection method: clinical testing. Allele origin: germline.
Comment: This sequence change replaces alanine, which is neutral and non-polar, with valine, which is neutral and non-polar, at codon 211 of the CLCN1 protein (p.Ala211Val). This variant is present in population databases (rs761511512, gnomAD 0.0009%). This variant has not been reported in the literature in individuals affected with CLCN1-related conditions. ClinVar contains an entry for this variant (Variation ID: 1358417). Advanced modeling of protein sequence and biophysical properties (such as structural, functional, and spatial information, amino acid conservation, physicochemical variation, residue mobility, and thermodynamic stability) performed at Invitae indicates that this missense variant is expected to disrupt CLCN1 protein function. In summary, the available evidence is currently insufficient to determine the role of this variant in disease. Therefore, it has been classified as a Variant of Uncertain Significance.

NM_000083.3(CLCN1):c.632C>T (p.Ala211Val)

Gene: CLCN1 (chloride voltage-gated channel 1; plus strand). Cytogenetic location: 7q34.
Variant type: single nucleotide variant.
Coding change: c.632C>T on transcript NM_000083.3 (MANE Select); coding-DNA position 632, C replaced by T.
Protein change: p.Ala211Val; replaces alanine 211 with valine.
Molecular consequence: missense variant. On other transcripts: non-coding transcript variant (1).
Genome position (GRCh38, 1-based): chr7:143,321,784, C>T. VCF-style: chr7-143321784-C-T. GRCh37 (hg19) VCF-style: chr7-143018877-C-T.
Other names: short protein forms A211V.
Identifiers: ClinVar variation 1358417 (VCV001358417.5), dbSNP rs761511512, ClinGen allele CA4537018.
Genomic context (GRCh38, chr7:143,321,784, plus strand): 5'-TCCCCGAAATGAAGACAATACTTCGTGGGGTTGTCCTGAAGGAATACCTCACAATGAAAG[C>T]CTTTGTGGCCAAGGTTGTCGCCCTGACTGCGGGCCTGGGCAGTGGCATCCCCGTGGGGAA-3'
Protein context (NP_000074.3, residues 201-221): VVLKEYLTMK[Ala211Val]FVAKVVALTA